The following is an entry in ClinVar:

NM_000701.8(ATP1A1):c.2294-15del

Genes: ATP1A1 (ATPase Na+/K+ transporting subunit alpha 1; plus strand), ATP1A1-AS1 (ATP1A1 antisense RNA 1; minus strand). Cytogenetic location: 1p13.1.
Variant type: Deletion.
Coding change: c.2294-15del on transcript NM_000701.8 (MANE Select); 15 bases into the intron before coding-DNA position 2294, one base deleted (T; older notation c.2294-15delT).
Molecular consequence: intron variant.
Genome position (GRCh38, 1-based): chr1:116,398,915, T deleted. VCF-style (leftmost placement, unchanged base first): chr1-116398914-AT-A. GRCh37 (hg19) VCF-style: chr1-116941536-AT-A.
Other names: c.2294-15del (NM_001160233.2); c.2201-15del (NM_001160234.2); c.2294-15delT (NM_000701.8).
Identifiers: ClinVar variation 1630938 (VCV001630938.11), dbSNP rs780771210, ClinGen allele CA1025518.

ClinVar aggregate classification (germline): Benign/Likely benign. Review status: criteria provided, multiple submitters, no conflicts (2 of 4 stars). 3 submissions from 3 submitters: Benign (1); Likely benign (2). Last evaluated 2026-02-10.

Allele frequency attached by ClinVar (database versions not stated): ESP Exome Variant Server 0.00024; gnomAD 0.00031; TOPMed 0.00032; gnomAD exomes 0.00034 and 0.00056; ExAC 0.00045.

Submissions (4):

Women's Health and Genetics/Laboratory Corporation of America, LabCorp
Classification: Benign. Last evaluated: 2026-02-10. Review status: criteria provided, single submitter. Criteria: LabCorp Variant Classification Summary - May 2015. Collection method: clinical testing. Allele origin: germline.
Comment: Variant summary: ATP1A1 c.2294-15delT alters a nucleotide located at a position not widely known to affect splicing. Consensus agreement among computation tools predict no significant impact on normal splicing. However, these predictions have yet to be confirmed by functional studies. The variant allele was found at a frequency of 0.00034 in 251312 control chromosomes, predominantly at a frequency of 0.00069 within the Non-Finnish European subpopulation in the gnomAD database. The observed variant frequency within Non-Finnish European control individuals in the gnomAD database exceeds the estimated maximal expected allele frequency for disease-causing variants in ATP1A1. To our knowledge, no occurrence of c.2294-15delT in individuals affected with ATP1A1-related conditions and no experimental evidence demonstrating its impact on protein function have been reported. ClinVar contains an entry for this variant (Variation ID: 1630938). Based on the evidence outlined above, the variant was classified as benign.

Labcorp Genetics (formerly Invitae), Labcorp
Classification: Likely benign. Last evaluated: 2026-01-19. Review status: criteria provided, single submitter. Criteria: Invitae Variant Classification Sherloc (09022015). Collection method: clinical testing. Allele origin: germline.

Blueprint Genetics
Classification: Likely benign. Last evaluated: 2024-09-30. Review status: criteria provided, single submitter. Criteria: ACMG Guidelines, 2015. Collection method: clinical testing. Allele origin: germline.

Dr. Peter K. Rogan Lab, Western University
No classification provided (evidence only). Condition: Colon adenocarcinoma. Review status: no classification provided. Collection method: in vitro. Allele origin: not applicable. Functional consequence: retained intron. Not counted in ClinVar's aggregate classification.